The following is an entry in ClinVar:

NM_182961.4(SYNE1):c.2759A>G (p.Lys920Arg)

Gene: SYNE1 (spectrin repeat containing nuclear envelope protein 1; minus strand). Cytogenetic location: 6q25.2.
Variant type: single nucleotide variant.
Coding change: c.2759A>G on transcript NM_182961.4 (MANE Select); coding-DNA position 2759, A replaced by G.
Protein change: p.Lys920Arg; replaces lysine 920 with arginine.
Molecular consequence: missense variant.
Genome position (GRCh38, 1-based): chr6:152,455,559, T>C on the plus strand (A>G on the coding strand, the complement: SYNE1 is on the minus strand). VCF-style: chr6-152455559-T-C. GRCh37 (hg19) VCF-style: chr6-152776694-T-C.
Other names: c.2780A>G, p.Lys927Arg (NM_033071.5); short protein forms K927R, K920R.
Identifiers: ClinVar variation 1426953 (VCV001426953.3), dbSNP rs1395937709, ClinGen allele CA366110863.

ClinVar aggregate classification (germline): Uncertain significance (1 of 4 stars; one submission).

Conditions:
Emery-Dreifuss muscular dystrophy 4, autosomal dominant (EDMD4). Also called: EMERY-DREIFUSS MUSCULAR DYSTROPHY 4 WITH VARIABLE FEATURES. Identifiers: Orphanet 261, MedGen C2751807, MONDO:0013071, OMIM 612998.
Autosomal recessive ataxia, Beauce type. Also called: Spinocerebellar ataxia, autosomal recessive 8; ATAXIA, RECESSIVE, OF BEAUCE; SYNE1 Deficiency; SYNE1-Related Autosomal Recessive Cerebellar Ataxia. Identifiers: Orphanet 88644, MedGen C1853116, MONDO:0012549, OMIM 610743.

Allele frequency attached by ClinVar (database versions not stated): gnomAD exomes below 0.00001; gnomAD 0.00003; TOPMed 0.00003.
gnomAD v4.1: 9 of 1,614,050 alleles (0.00056%); highest among the groups gnomAD compares: African/African-American, 0.0093%; no homozygotes.

Submission:

Labcorp Genetics (formerly Invitae), Labcorp
Classification: Uncertain significance for Emery-Dreifuss muscular dystrophy 4, autosomal dominant; Autosomal recessive ataxia, Beauce type. Last evaluated: 2022-07-17. Review status: criteria provided, single submitter. Criteria: Invitae Variant Classification Sherloc (09022015). Collection method: clinical testing. Allele origin: germline.
Comment: This sequence change replaces lysine, which is basic and polar, with arginine, which is basic and polar, at codon 927 of the SYNE1 protein (p.Lys927Arg). This variant is present in population databases (no rsID available, gnomAD 0.003%). This variant has not been reported in the literature in individuals affected with SYNE1-related conditions. ClinVar contains an entry for this variant (Variation ID: 1426953). Algorithms developed to predict the effect of missense changes on protein structure and function are either unavailable or do not agree on the potential impact of this missense change (SIFT: "Deleterious"; PolyPhen-2: "Benign"; Align-GVGD: "Class C0"). In summary, the available evidence is currently insufficient to determine the role of this variant in disease. Therefore, it has been classified as a Variant of Uncertain Significance.